The following is an entry in ClinVar:

ClinVar aggregate classification (germline): Uncertain significance (1 of 4 stars; one submission).

Conditions:
Baller-Gerold syndrome (BGS). Also called: CRANIOSYNOSTOSIS WITH RADIAL DEFECTS. Identifiers: Orphanet 1225, MedGen C0265308, MONDO:0009039, OMIM 218600.

Allele frequency attached by ClinVar (database versions not stated): gnomAD exomes below 0.00001.
gnomAD v4.1: 1 of 1,610,924 alleles (0.000062%); highest among the groups gnomAD compares: East Asian, 0.0022%; no homozygotes.

Submission:

Labcorp Genetics (formerly Invitae), Labcorp
Classification: Uncertain significance for Baller-Gerold syndrome. Last evaluated: 2023-08-04. Review status: criteria provided, single submitter. Criteria: Invitae Variant Classification Sherloc (09022015). Collection method: clinical testing. Allele origin: germline.
Comment: This sequence change replaces alanine, which is neutral and non-polar, with glycine, which is neutral and non-polar, at codon 86 of the RECQL4 protein (p.Ala86Gly). This variant is present in population databases (no rsID available, gnomAD 0.006%). This variant has not been reported in the literature in individuals affected with RECQL4-related conditions. ClinVar contains an entry for this variant (Variation ID: 1044877). Advanced modeling of protein sequence and biophysical properties (such as structural, functional, and spatial information, amino acid conservation, physicochemical variation, residue mobility, and thermodynamic stability) performed at Invitae indicates that this missense variant is not expected to disrupt RECQL4 protein function. In summary, the available evidence is currently insufficient to determine the role of this variant in disease. Therefore, it has been classified as a Variant of Uncertain Significance.

NM_004260.4(RECQL4):c.257C>G (p.Ala86Gly)

Gene: RECQL4 (RecQ like helicase 4; minus strand). Cytogenetic location: 8q24.3.
Variant type: single nucleotide variant.
Coding change: c.257C>G on transcript NM_004260.4 (MANE Select); coding-DNA position 257, C replaced by G.
Protein change: p.Ala86Gly; replaces alanine 86 with glycine.
Molecular consequence: missense variant.
Genome position (GRCh38, 1-based): chr8:144,517,147, G>C on the plus strand (C>G on the coding strand, the complement: RECQL4 is on the minus strand). VCF-style: chr8-144517147-G-C. GRCh37 (hg19) VCF-style: chr8-145742531-G-C.
Other names: short protein forms A86G.
Identifiers: ClinVar variation 1044877 (VCV001044877.3), dbSNP rs1207989827, ClinGen allele CA372692243.